The following is an entry in ClinVar:

NM_002637.4(PHKA1):c.229T>C (p.Leu77=)

Gene: PHKA1 (phosphorylase kinase regulatory subunit alpha 1; minus strand). Cytogenetic location: Xq13.1.
Variant type: single nucleotide variant.
Coding change: c.229T>C on transcript NM_002637.4 (MANE Select); coding-DNA position 229, T replaced by C.
Protein change: p.Leu77=; no amino-acid change (leucine 77 retained).
Molecular consequence: synonymous variant.
Genome position (GRCh38, 1-based): chrX:72,712,787, A>G on the plus strand (T>C on the coding strand, the complement: PHKA1 is on the minus strand). VCF-style: chrX-72712787-A-G. GRCh37 (hg19) VCF-style: chrX-71932629-A-G.
Other names: c.229T>C, p.Leu77= (NM_001122670.2, NM_001172436.2); c.229T>C (NM_002637.3).
Identifiers: ClinVar variation 1082908 (VCV001082908.10), dbSNP rs2054402218, ClinGen allele CA516782329.

ClinVar aggregate classification (germline): Likely benign. Review status: criteria provided, multiple submitters, no conflicts (2 of 4 stars). 2 submissions from 2 submitters: Likely benign (2). Last evaluated 2025-02-07.

Conditions:
PHKA1-related disorder. Also called: PHKA1-related condition.
Glycogen storage disease IXd (GSD9D). Also called: Muscle Phosphorylase Kinase Deficiency; GSD IXd. Identifiers: Orphanet 715, MedGen C1845151, MONDO:0010362, OMIM 300559.

Allele frequency attached by ClinVar (database versions not stated): TOPMed 0.00001.

Submissions (2):

PreventionGenetics, part of Exact Sciences
Classification: Likely benign for PHKA1-related condition. Last evaluated: 2025-02-07. Review status: criteria provided, single submitter. Criteria: ACMG Guidelines, 2015. Collection method: clinical testing. Allele origin: germline.
Comment: This variant is classified as likely benign based on ACMG/AMP sequence variant interpretation guidelines (Richards et al. 2015 PMID: 25741868, with internal and published modifications).

Labcorp Genetics (formerly Invitae), Labcorp
Classification: Likely benign for Glycogen storage disease IXd. Last evaluated: 2020-09-09. Review status: criteria provided, single submitter. Criteria: Invitae Variant Classification Sherloc (09022015). Collection method: clinical testing. Allele origin: germline.